The following is an entry in ClinVar:

ClinVar aggregate classification (germline): Uncertain significance. Review status: criteria provided, multiple submitters, no conflicts (2 of 4 stars). 2 submissions from 2 submitters: Uncertain significance (2). Last evaluated 2024-05-16.

Allele frequency attached by ClinVar (database versions not stated): ExAC 0.00002; TOPMed 0.00003; gnomAD 0.00004; gnomAD exomes 0.00015.
gnomAD v4.1: 227 of 1,606,978 alleles (0.014%); highest among the groups gnomAD compares: Non-Finnish European, 0.019%; no homozygotes.

Submissions (3):

Ambry Genetics
Classification: Uncertain significance. Last evaluated: 2024-05-16. Review status: criteria provided, single submitter. Criteria: Ambry Variant Classification Scheme 2023. Collection method: clinical testing. Allele origin: germline.

Labcorp Genetics (formerly Invitae), Labcorp
Classification: Uncertain significance. Last evaluated: 2022-12-26. Review status: criteria provided, single submitter. Criteria: Invitae Variant Classification Sherloc (09022015). Collection method: clinical testing. Allele origin: germline.
Comment: This variant is present in population databases (rs753902109, gnomAD 0.003%). In summary, the available evidence is currently insufficient to determine the role of this variant in disease. Therefore, it has been classified as a Variant of Uncertain Significance. Algorithms developed to predict the effect of missense changes on protein structure and function (SIFT, PolyPhen-2, Align-GVGD) all suggest that this variant is likely to be tolerated. This variant has not been reported in the literature in individuals affected with KANK2-related conditions. This sequence change replaces alanine, which is neutral and non-polar, with valine, which is neutral and non-polar, at codon 317 of the KANK2 protein (p.Ala317Val).

Dr. Peter K. Rogan Lab, Western University
No classification provided (evidence only). Condition: Gastric cancer. Review status: no classification provided. Collection method: in vitro. Allele origin: not applicable. Functional consequence: retained intron. Not counted in ClinVar's aggregate classification.

NM_001136191.3(KANK2):c.950C>T (p.Ala317Val)

Gene: KANK2 (KN motif and ankyrin repeat domains 2; minus strand). Cytogenetic location: 19p13.2.
Variant type: single nucleotide variant.
Coding change: c.950C>T on transcript NM_001136191.3 (MANE Select); coding-DNA position 950, C replaced by T.
Protein change: p.Ala317Val; replaces alanine 317 with valine.
Molecular consequence: missense variant.
Genome position (GRCh38, 1-based): chr19:11,193,130, G>A on the plus strand (C>T on the coding strand, the complement: KANK2 is on the minus strand). VCF-style: chr19-11193130-G-A. GRCh37 (hg19) VCF-style: chr19-11303806-G-A.
Other names: c.950C>T, p.Ala317Val (NM_001329451.2, NM_001379548.1, NM_001379549.1 and 15 more transcripts); short protein forms A317V.
Identifiers: ClinVar variation 2892023 (VCV002892023.5), dbSNP rs753902109, ClinGen allele CA9205941.